The following is an entry in ClinVar:

NM_006005.3(WFS1):c.-130C>T

Genes: WFS1 (wolframin ER transmembrane glycoprotein; plus strand), LOC129992166 (ATAC-STARR-seq lymphoblastoid silent region 15229; plus strand). Cytogenetic location: 4p16.1.
Variant type: single nucleotide variant.
Coding change: c.-130C>T on transcript NM_006005.3 (MANE Select); 130 bases upstream of the start codon, C replaced by T.
Molecular consequence: 5 prime UTR variant.
Genome position (GRCh38, 1-based): chr4:6,269,890, C>T. VCF-style: chr4-6269890-C-T. GRCh37 (hg19) VCF-style: chr4-6271617-C-T.
Other names: c.-126C>T (NM_001145853.1).
Identifiers: ClinVar variation 349296 (VCV000349296.37), dbSNP rs576284630, ClinGen allele CA10621427.

ClinVar aggregate classification (germline): Conflicting classifications of pathogenicity. Review status: criteria provided, conflicting classifications (1 of 4 stars). 4 submissions from 3 submitters: Uncertain significance (2); Benign (2). Last evaluated 2022-05-01.

Conditions:
Autosomal dominant nonsyndromic hearing loss 6 (LFSNHL). Also called: Autosomal dominant nonsyndromic deafness 6; DEAFNESS, AUTOSOMAL DOMINANT 14; DEAFNESS, AUTOSOMAL DOMINANT 38; DEAFNESS, AUTOSOMAL DOMINANT 6. Identifiers: Orphanet 90635, MedGen C1833021, MONDO:0010963, OMIM 600965.
WFS1-Related Spectrum Disorders.
Wolfram syndrome 1 (WFS1). Identifiers: Orphanet 3463, MedGen C4551693, MONDO:0009101, OMIM 222300.

Allele frequency attached by ClinVar (database versions not stated): 1000 Genomes Project 30x 0.00078; 1000 Genomes Project 0.00100; TOPMed 0.00143; gnomAD 0.00207.

Submissions (4):

CeGaT Center for Human Genetics Tuebingen
Classification: Benign. Last evaluated: 2022-05-01. Review status: criteria provided, single submitter. Criteria: CeGaT Center For Human Genetics Tuebingen Variant Classification Criteria Version 2. Collection method: clinical testing. Allele origin: germline. Affected: yes. Observed: 1 variant allele.
Comment: WFS1: BP4, BS1, BS2

Illumina Laboratory Services, Illumina
Classification: Uncertain significance for WFS1-Related Spectrum Disorders. Last evaluated: 2018-01-13. Review status: criteria provided, single submitter. Criteria: ICSL Variant Classification Criteria 13 December 2019. Collection method: clinical testing. Allele origin: germline.

Illumina Laboratory Services, Illumina
Classification: Uncertain significance for Autosomal dominant nonsyndromic hearing loss 6. Last evaluated: 2018-01-13. Review status: criteria provided, single submitter. Criteria: ICSL Variant Classification Criteria 13 December 2019. Collection method: clinical testing. Allele origin: germline.

Clinical Genomics, Uppaluri K&H Personalized Medicine Clinic
Classification: Benign for Wolfram syndrome 1. Review status: criteria provided, single submitter. Criteria: K & H Uppaluri Personalized Medicine Clinic Variant Classification & Assertion Criteria_Updated V.1. Collection method: research. Allele origin: unknown. Inheritance: Autosomal recessive inheritance.
Comment: Potent mutations in WFS1 gene are associated with Wolfram's syndrome, an autosomal recessive condition, which cause diabetes mellitus, diabetes insipidus, deafness and optic atrophy.However no sufficient evidence is found to ascertain the role of this particular variant rs576284630 yet.

Literature cited by the submitters: PubMed 20738327 (cited by Clinical Genomics, Uppaluri K&H Personalized Medicine Clinic); PubMed 33879153 (cited by Clinical Genomics, Uppaluri K&H Personalized Medicine Clinic); PubMed 12955714 (cited by Clinical Genomics, Uppaluri K&H Personalized Medicine Clinic); PubMed 18060660 (cited by Clinical Genomics, Uppaluri K&H Personalized Medicine Clinic); PubMed 20301750 (cited by Clinical Genomics, Uppaluri K&H Personalized Medicine Clinic); PubMed 17603484 (cited by Clinical Genomics, Uppaluri K&H Personalized Medicine Clinic).